The following is an entry in ClinVar:

ClinVar aggregate classification (germline): Uncertain significance (1 of 4 stars; one submission).

Conditions:
Multiple endocrine neoplasia, type 2 (MEN2). Identifiers: Orphanet 653, MedGen C4048306, MONDO:0019003. Disease mechanism: gain of function.

Allele frequency attached by ClinVar (database versions not stated): gnomAD exomes below 0.00001.

Submission:

Labcorp Genetics (formerly Invitae), Labcorp
Classification: Uncertain significance for Multiple endocrine neoplasia, type 2. Last evaluated: 2023-06-05. Review status: criteria provided, single submitter. Criteria: Invitae Variant Classification Sherloc (09022015). Collection method: clinical testing. Allele origin: germline.
Comment: This sequence change replaces serine, which is neutral and polar, with proline, which is neutral and non-polar, at codon 363 of the RET protein (p.Ser363Pro). This variant is not present in population databases (gnomAD no frequency). This variant has not been reported in the literature in individuals affected with RET-related conditions. Algorithms developed to predict the effect of missense changes on protein structure and function output the following: SIFT: "Not Available"; PolyPhen-2: "Benign"; Align-GVGD: "Not Available". The proline amino acid residue is found in multiple mammalian species, which suggests that this missense change does not adversely affect protein function. In summary, the available evidence is currently insufficient to determine the role of this variant in disease. Therefore, it has been classified as a Variant of Uncertain Significance.

NM_020975.6(RET):c.1087T>C (p.Ser363Pro)

Gene: RET (ret proto-oncogene; plus strand). Cytogenetic location: 10q11.21.
Variant type: single nucleotide variant.
Coding change: c.1087T>C on transcript NM_020975.6 (MANE Select); coding-DNA position 1087, T replaced by C.
Protein change: p.Ser363Pro; replaces serine 363 with proline.
Molecular consequence: missense variant. On other transcripts: intron variant (18).
Genome position (GRCh38, 1-based): chr10:43,109,054, T>C. VCF-style: chr10-43109054-T-C. GRCh37 (hg19) VCF-style: chr10-43604502-T-C.
Other names: c.799T>C, p.Ser267Pro (NM_001406770.1, NM_001406766.1, NM_001406767.1); c.649T>C, p.Ser217Pro (NM_001406771.1, NM_001406773.1); c.361T>C, p.Ser121Pro (NM_001406775.1, NM_001406776.1, NM_001406777.1 and 1 more transcripts); c.97T>C, p.Ser33Pro (NM_001406784.1); c.1087T>C, p.Ser363Pro (NM_020629.2, NM_000323.2, NM_001406743.1 and 6 more transcripts); c.325T>C, p.Ser109Pro (NM_001355216.2); c.958T>C, p.Ser320Pro (NM_001406761.1, NM_001406762.1, NM_001406764.1 and 1 more transcripts); c.868-2153T>C (NM_001406772.1, NM_001406769.1); and 5 more; short protein forms S121P, S109P, S217P, S33P, S320P, S363P, S267P.
Identifiers: ClinVar variation 2770186 (VCV002770186.3), dbSNP rs2538423409, ClinGen allele CA376547263.